The following is an entry in ClinVar:

ClinVar aggregate classification (germline): Uncertain significance. Review status: criteria provided, multiple submitters, no conflicts (2 of 4 stars). 2 submissions from 2 submitters: Uncertain significance (2). Last evaluated 2023-10-19.

Allele frequency attached by ClinVar (database versions not stated): gnomAD exomes below 0.00001; TOPMed below 0.00001; gnomAD 0.00001.
gnomAD v4.1: 8 of 1,553,502 alleles (0.00051%); highest among the groups gnomAD compares: Non-Finnish European, 0.00061%; no homozygotes.

Submissions (2):

Blueprint Genetics
Classification: Uncertain significance. Last evaluated: 2023-10-19. Review status: criteria provided, single submitter. Criteria: ACMG Guidelines, 2015. Collection method: clinical testing. Allele origin: germline.

Centre for Mendelian Genomics, University Medical Centre Ljubljana
Classification: Uncertain significance. Last evaluated: 2019-10-04. Review status: criteria provided, single submitter. Criteria: ACMG Guidelines, 2015. Collection method: clinical testing. Allele origin: unknown. Affected: yes.
Comment: This variant was classified as: Uncertain significance. The available evidence on this variant's pathogenicity is insufficient or conflicting. The following ACMG criteria were applied in classifying this variant: PM2,PP3.

NM_001385012.1(NBEA):c.8167T>G (p.Phe2723Val)

Gene: NBEA (neurobeachin; plus strand). Cytogenetic location: 13q13.3.
Variant type: single nucleotide variant.
Coding change: c.8167T>G on transcript NM_001385012.1 (MANE Select); coding-DNA position 8167, T replaced by G.
Protein change: p.Phe2723Val; replaces phenylalanine 2723 with valine.
Molecular consequence: missense variant.
Genome position (GRCh38, 1-based): chr13:35,654,986, T>G. VCF-style: chr13-35654986-T-G. GRCh37 (hg19) VCF-style: chr13-36229123-T-G.
Other names: c.1483T>G, p.Phe495Val (NM_001204197.3); c.8158T>G, p.Phe2720Val (NM_001379245.1); c.8104T>G, p.Phe2702Val (NM_015678.5); short protein forms F2702V, F2720V, F495V, F2723V.
Identifiers: ClinVar variation 930741 (VCV000930741.4), dbSNP rs1255750660, ClinGen allele CA387841174.